The following is an entry in ClinVar:

ClinVar aggregate classification (germline): Likely benign (1 of 4 stars; one submission).

Submission:

GeneDx
Classification: Likely benign. Last evaluated: 2016-04-14. Review status: criteria provided, single submitter. Criteria: GeneDx Variant Classification (06012015). Collection method: clinical testing. Allele origin: germline. Affected: yes.
Comment: This variant is considered likely benign or benign based on one or more of the following criteria: it is a conservative change, it occurs at a poorly conserved position in the protein, it is predicted to be benign by multiple in silico algorithms, and/or has population frequency not consistent with disease.

NM_002485.5(NBN):c.-48C>G

Gene: NBN (nibrin; minus strand). Cytogenetic location: 8q21.3.
Variant type: single nucleotide variant.
Coding change: c.-48C>G on transcript NM_002485.5 (MANE Select); 48 bases upstream of the start codon, C replaced by G.
Molecular consequence: 5 prime UTR variant.
Genome position (GRCh38, 1-based): chr8:89,984,609, G>C on the plus strand (C>G on the coding strand, the complement: NBN is on the minus strand). VCF-style: chr8-89984609-G-C. GRCh37 (hg19) VCF-style: chr8-90996837-G-C.
Other names: c.-344C>G (NM_001024688.3).
Identifiers: ClinVar variation 385593 (VCV000385593.1), dbSNP rs202115031, ClinGen allele CA16605524.
Genomic context (GRCh38, chr8:89,984,609, plus strand): 5'-GCAGTTTCCACATCGGTCCGGCTCCTCAGGGCTGGGGCCGACGTGCAACCGCGTAACCGG[G>C]GCTGCTAGACGAGCGCGGATACGGCGCCTGCGGTCGGCATGGGCTCCGGGACGTGCGCGC-3'